The following is an entry in ClinVar:

ClinVar aggregate classification (germline): Uncertain significance. Review status: criteria provided, multiple submitters, no conflicts (2 of 4 stars). 2 submissions from 2 submitters: Uncertain significance (2). Last evaluated 2026-03-23.

Allele frequency attached by ClinVar (database versions not stated): gnomAD 0.00001; TOPMed 0.00001.
gnomAD v4.1: 1 of 1,613,874 alleles (0.000062%); highest among the groups gnomAD compares: African/African-American, 0.0013%; no homozygotes.

Submissions (2):

Women's Health and Genetics/Laboratory Corporation of America, LabCorp
Classification: Uncertain significance. Last evaluated: 2026-03-23. Review status: criteria provided, single submitter. Criteria: LabCorp Variant Classification Summary - May 2015. Collection method: clinical testing. Allele origin: germline.

Labcorp Genetics (formerly Invitae), Labcorp
Classification: Uncertain significance. Last evaluated: 2022-03-19. Review status: criteria provided, single submitter. Criteria: Invitae Variant Classification Sherloc (09022015). Collection method: clinical testing. Allele origin: germline.
Comment: This sequence change replaces valine, which is neutral and non-polar, with methionine, which is neutral and non-polar, at codon 1669 of the COL7A1 protein (p.Val1669Met). This variant is present in population databases (no rsID available, gnomAD 0.01%). This variant has not been reported in the literature in individuals affected with COL7A1-related conditions. Advanced modeling of protein sequence and biophysical properties (such as structural, functional, and spatial information, amino acid conservation, physicochemical variation, residue mobility, and thermodynamic stability) performed at Invitae indicates that this missense variant is not expected to disrupt COL7A1 protein function. In summary, the available evidence is currently insufficient to determine the role of this variant in disease. Therefore, it has been classified as a Variant of Uncertain Significance.

NM_000094.4(COL7A1):c.5005G>A (p.Val1669Met)

Gene: COL7A1 (collagen type VII alpha 1 chain; minus strand). Cytogenetic location: 3p21.31.
Variant type: single nucleotide variant.
Coding change: c.5005G>A on transcript NM_000094.4 (MANE Select); coding-DNA position 5005, G replaced by A.
Protein change: p.Val1669Met; replaces valine 1669 with methionine.
Molecular consequence: missense variant.
Genome position (GRCh38, 1-based): chr3:48,580,628, C>T on the plus strand (G>A on the coding strand, the complement: COL7A1 is on the minus strand). VCF-style: chr3-48580628-C-T. GRCh37 (hg19) VCF-style: chr3-48618061-C-T.
Other names: short protein forms V1669M.
Identifiers: ClinVar variation 1381452 (VCV001381452.4), dbSNP rs1486869403, ClinGen allele CA352679934.